The following is an entry in ClinVar:

NM_001792.5(CDH2):c.904G>A (p.Gly302Arg)

Gene: CDH2 (cadherin 2; minus strand). Cytogenetic location: 18q12.1.
Variant type: single nucleotide variant.
Coding change: c.904G>A on transcript NM_001792.5 (MANE Select); coding-DNA position 904, G replaced by A.
Protein change: p.Gly302Arg; replaces glycine 302 with arginine.
Molecular consequence: missense variant.
Genome position (GRCh38, 1-based): chr18:28,003,113, C>T on the plus strand (G>A on the coding strand, the complement: CDH2 is on the minus strand). VCF-style: chr18-28003113-C-T. GRCh37 (hg19) VCF-style: chr18-25583077-C-T.
Other names: c.811G>A, p.Gly271Arg (NM_001308176.2); short protein forms G271R, G302R.
Identifiers: ClinVar variation 2114803 (VCV002114803.4), dbSNP rs2510808514, ClinGen allele CA402242912.

ClinVar aggregate classification (germline): Uncertain significance (1 of 4 stars; one submission).

Submission:

Labcorp Genetics (formerly Invitae), Labcorp
Classification: Uncertain significance. Last evaluated: 2022-03-25. Review status: criteria provided, single submitter. Criteria: Invitae Variant Classification Sherloc (09022015). Collection method: clinical testing. Allele origin: germline.
Comment: This variant has not been reported in the literature in individuals affected with CDH2-related conditions. In summary, the available evidence is currently insufficient to determine the role of this variant in disease. Therefore, it has been classified as a Variant of Uncertain Significance. Algorithms developed to predict the effect of sequence changes on RNA splicing suggest that this variant may create or strengthen a splice site. Algorithms developed to predict the effect of missense changes on protein structure and function are either unavailable or do not agree on the potential impact of this missense change (SIFT: "Deleterious"; PolyPhen-2: "Probably Damaging"; Align-GVGD: "Class C15"). This variant is not present in population databases (gnomAD no frequency). This sequence change replaces glycine, which is neutral and non-polar, with arginine, which is basic and polar, at codon 302 of the CDH2 protein (p.Gly302Arg).